The following is an entry in ClinVar:

ClinVar aggregate classification (germline): Uncertain significance. Review status: criteria provided, multiple submitters, no conflicts (2 of 4 stars). 2 submissions from 2 submitters: Uncertain significance (2). Last evaluated 2024-05-17.

Conditions:
Bone mineral density quantitative trait locus 1 (BMND1). Identifiers: MedGen C1866079, OMIM 601884.
Worth disease. Also called: ENDOSTEAL HYPEROSTOSIS, AUTOSOMAL DOMINANT; OSTEOSCLEROSIS, AUTOSOMAL DOMINANT; Autosomal dominant osteosclerosis, Worth type. Identifiers: Orphanet 2790, MedGen C0432273, MONDO:0007764, OMIM 144750.
Exudative vitreoretinopathy 4 (EVR4). Identifiers: Orphanet 891, MedGen C1866176, MONDO:0011151, OMIM 601813.
Polycystic liver disease 4 with or without kidney cysts. Identifiers: MedGen C4693479, MONDO:0044327, OMIM 617875.
Autosomal dominant osteopetrosis 1 (OPTA1). Also called: OSTEOPETROSIS, AUTOSOMAL DOMINANT, TYPE I. Identifiers: Orphanet 2783, MedGen C1843330, MONDO:0011877, OMIM 607634.
Osteoporosis with pseudoglioma (OPPG). Also called: osteoporosis-pseudoglioma syndrome. Identifiers: Orphanet 2788, MedGen C0432252, MONDO:0009820, OMIM 259770.

Allele frequency attached by ClinVar (database versions not stated): ExAC 0.00002; gnomAD exomes 0.00002 and 0.00003; TOPMed 0.00002; gnomAD 0.00004.
gnomAD v4.1: 47 of 1,613,266 alleles (0.0029%); highest among the groups gnomAD compares: East Asian, 0.0045%; no homozygotes.

Submissions (2):

Fulgent Genetics
Classification: Uncertain significance for Worth disease; Osteoporosis with pseudoglioma; Exudative vitreoretinopathy 4; Bone mineral density quantitative trait locus 1; Autosomal dominant osteopetrosis 1; Polycystic liver disease 4 with or without kidney cysts. Last evaluated: 2024-05-17. Review status: criteria provided, single submitter. Criteria: ACMG Guidelines, 2015. Collection method: clinical testing. Allele origin: germline.

Labcorp Genetics (formerly Invitae), Labcorp
Classification: Uncertain significance. Last evaluated: 2022-06-28. Review status: criteria provided, single submitter. Criteria: Invitae Variant Classification Sherloc (09022015). Collection method: clinical testing. Allele origin: germline.
Comment: In summary, the available evidence is currently insufficient to determine the role of this variant in disease. Therefore, it has been classified as a Variant of Uncertain Significance. Advanced modeling of protein sequence and biophysical properties (such as structural, functional, and spatial information, amino acid conservation, physicochemical variation, residue mobility, and thermodynamic stability) performed at Invitae indicates that this missense variant is not expected to disrupt LRP5 protein function. ClinVar contains an entry for this variant (Variation ID: 1016447). This variant has not been reported in the literature in individuals affected with LRP5-related conditions. This variant is present in population databases (rs773575510, gnomAD 0.007%). This sequence change replaces threonine, which is neutral and polar, with alanine, which is neutral and non-polar, at codon 1109 of the LRP5 protein (p.Thr1109Ala).

NM_002335.4(LRP5):c.3325A>G (p.Thr1109Ala)

Gene: LRP5 (LDL receptor related protein 5; plus strand). Cytogenetic location: 11q13.2.
Variant type: single nucleotide variant.
Coding change: c.3325A>G on transcript NM_002335.4 (MANE Select); coding-DNA position 3325, A replaced by G.
Protein change: p.Thr1109Ala; replaces threonine 1109 with alanine.
Molecular consequence: missense variant.
Genome position (GRCh38, 1-based): chr11:68,425,190, A>G. VCF-style: chr11-68425190-A-G. GRCh37 (hg19) VCF-style: chr11-68192658-A-G.
Other names: c.1582A>G, p.Thr528Ala (NM_001291902.2); short protein forms T1109A, T528A.
Identifiers: ClinVar variation 1016447 (VCV001016447.11), dbSNP rs773575510, ClinGen allele CA6149947.
Genomic context (GRCh38, chr11:68,425,190, plus strand): 5'-CGGGCAGCCAAGATCGAACGCGCAGCCCTGGACGGCACCGAGCGCGAGGTCCTCTTCACC[A>G]CCGGCCTCATCCGCCCTGTGGCCCTGGTGGTGGACAACACACTGGGCAAGCTGTTCTGGG-3'
Protein context (NP_002326.2, residues 1099-1119): DGTEREVLFT[Thr1109Ala]GLIRPVALVV